The following is an entry in ClinVar:

NM_000525.4(KCNJ11):c.*937C>T

Gene: KCNJ11 (potassium inwardly rectifying channel subfamily J member 11; minus strand). Cytogenetic location: 11p15.1.
Variant type: single nucleotide variant.
Coding change: c.*937C>T on transcript NM_000525.4 (MANE Select); 937 bases downstream of the stop codon, C replaced by T.
Molecular consequence: 3 prime UTR variant.
Genome position (GRCh38, 1-based): chr11:17,385,982, G>A on the plus strand (C>T on the coding strand, the complement: KCNJ11 is on the minus strand). VCF-style: chr11-17385982-G-A. GRCh37 (hg19) VCF-style: chr11-17407529-G-A.
Other names: c.*937C>T (NM_001377297.1, NM_001166290.2, NM_001377296.1).
Identifiers: ClinVar variation 303711 (VCV000303711.6), dbSNP rs886048033, ClinGen allele CA10637934.

ClinVar aggregate classification (germline): Uncertain significance. Review status: criteria provided, multiple submitters, no conflicts (2 of 4 stars). 4 submissions from 2 submitters: Uncertain significance (4). Last evaluated 2018-01-13.

Conditions:
Maturity-onset diabetes of the young type 13. Also called: MODY, TYPE 13. Identifiers: Orphanet 552, MedGen C4225365, MONDO:0014589, OMIM 616329.
Maturity-onset diabetes of the young (MODY). Also called: Maturity onset diabetes mellitus in young. Identifiers: Orphanet 552, MedGen C0342276, MONDO:0018911, HP:0004904.
Diabetes mellitus, transient neonatal, 3 (TNDM3). Identifiers: Orphanet 99886, MedGen C1864623, MONDO:0012522, OMIM 610582. Disease mechanism: loss of function.
Hyperinsulinemic hypoglycemia, familial, 2. Also called: HYPERINSULINEMIC HYPOGLYCEMIA, PERSISTENT; HYPERINSULINISM, NEONATAL. Identifiers: Orphanet 276580, Orphanet 276603, MedGen C2931833, MONDO:0011153, OMIM 601820. Disease mechanism: loss of function.

Submissions (4):

Illumina Laboratory Services, Illumina
Classification: Uncertain significance for Diabetes mellitus, transient neonatal, 3. Last evaluated: 2018-01-13. Review status: criteria provided, single submitter. Criteria: ICSL Variant Classification Criteria 13 December 2019. Collection method: clinical testing. Allele origin: germline.

Illumina Laboratory Services, Illumina
Classification: Uncertain significance for Hyperinsulinemic hypoglycemia, familial, 2. Last evaluated: 2018-01-13. Review status: criteria provided, single submitter. Criteria: ICSL Variant Classification Criteria 13 December 2019. Collection method: clinical testing. Allele origin: germline.

Illumina Laboratory Services, Illumina
Classification: Uncertain significance for Maturity-onset diabetes of the young type 13. Last evaluated: 2018-01-13. Review status: criteria provided, single submitter. Criteria: ICSL Variant Classification Criteria 13 December 2019. Collection method: clinical testing. Allele origin: germline.

Clinical Genomics, Uppaluri K&H Personalized Medicine Clinic
Classification: Uncertain significance for Maturity-onset diabetes of the young. Review status: criteria provided, single submitter. Criteria: K & H Uppaluri Personalized Medicine Clinic Variant Classification & Assertion Criteria_Updated V.1. Collection method: research. Allele origin: somatic. Inheritance: Autosomal dominant inheritance.
Comment: Mutations in KCNJ11 gene can cause decreased production and secretion of insulin. This can lead to MODY which may be responsive to oral sulfonylureas. It is also associated with Neonatal Diabetes. However, no sufficient evidence is found to ascertain the role of this particular variant (rs886048033) in MODY yet.

Literature cited by the submitters: PubMed 26448950 (cited by Clinical Genomics, Uppaluri K&H Personalized Medicine Clinic); PubMed 15580558 (cited by Clinical Genomics, Uppaluri K&H Personalized Medicine Clinic); PubMed 15718250 (cited by Clinical Genomics, Uppaluri K&H Personalized Medicine Clinic); PubMed 32935446 (cited by Clinical Genomics, Uppaluri K&H Personalized Medicine Clinic); PubMed 22701567 (cited by Clinical Genomics, Uppaluri K&H Personalized Medicine Clinic).